The following is an entry in ClinVar:

ClinVar aggregate classification (germline): Pathogenic (1 of 4 stars; one submission).

Submission:

GeneDx
Classification: Pathogenic. Last evaluated: 2020-03-04. Review status: criteria provided, single submitter. Criteria: GeneDx Variant Classification Process June 2021. Collection method: clinical testing. Allele origin: germline. Affected: yes.
Comment: Nonsense variant predicted to result in protein truncation or nonsense mediated decay in a gene for which loss-of-function is a known mechanism of disease; Not observed in large population cohorts (Lek et al., 2016); Has not been previously published as pathogenic or benign to our knowledge

NM_005422.4(TECTA):c.6099del (p.Asp2032_Tyr2033insTer)

Genes: TBCEL-TECTA (TBCEL-TECTA readthrough; plus strand), TECTA (tectorin alpha; plus strand). Cytogenetic location: 11q23.3.
Variant type: Deletion.
Coding change: c.6099del on transcript NM_005422.4 (MANE Select); coding-DNA position 6099, one base deleted (C; older notation c.6099delC).
Protein change: p.Asp2032_Tyr2033insTer.
Molecular consequence: nonsense.
Genome position (GRCh38, 1-based): chr11:121,187,931, C deleted. VCF-style (leftmost placement, unchanged base first): chr11-121187930-AC-A. GRCh37 (hg19) VCF-style: chr11-121058639-AC-A.
Other names: c.7041del, p.Asp2346_Tyr2347insTer (NM_001378761.1).
Identifiers: ClinVar variation 1204050 (VCV001204050.3), dbSNP rs2134215671, ClinGen allele CA2499220810.